The following is an entry in ClinVar:

NM_014241.4(HACD1):c.103del (p.Arg35fs)

Genes: HACD1 (3-hydroxyacyl-CoA dehydratase 1; minus strand), LOC130003454 (ATAC-STARR-seq lymphoblastoid silent region 2183; plus strand). Cytogenetic location: 10p12.33.
Variant type: Deletion.
Coding change: c.103del on transcript NM_014241.4 (MANE Select); coding-DNA position 103, one base deleted (A; older notation c.103delA).
Protein change: p.Arg35fs; shifts the reading frame from arginine 35.
Molecular consequence: frameshift variant.
Genome position (GRCh38, 1-based): chr10:17,617,237, T deleted on the plus strand (A on the coding strand, the reverse complement: HACD1 is on the minus strand). VCF-style (leftmost placement, unchanged base first): chr10-17617236-CT-C. GRCh37 (hg19) VCF-style: chr10-17659235-CT-C.
Other names: short protein forms R35fs.
Identifiers: ClinVar variation 2978369 (VCV002978369.3), dbSNP rs2493902455, ClinGen allele CA2574503675.
Genomic context (GRCh38, chr10:17,617,236, plus strand): 5'-GCCTCCGAGGCGCCGCCGTTGGTGCCGTCCTCGTCGCTGGACGCCATGGTGGCCGCGCAC[CT>C]GGGGGACGTGGGAGACAGCGGCAGGAGCGTGGGAGGGGACCCTGCCCAGCCTGCAGCCCG-3'

ClinVar aggregate classification (germline): Pathogenic (1 of 4 stars; one submission).

Submission:

Labcorp Genetics (formerly Invitae), Labcorp
Classification: Pathogenic. Last evaluated: 2023-03-03. Review status: criteria provided, single submitter. Criteria: Invitae Variant Classification Sherloc (09022015). Collection method: clinical testing. Allele origin: germline.
Comment: For these reasons, this variant has been classified as Pathogenic. This variant has not been reported in the literature in individuals affected with HACD1-related conditions. This variant is not present in population databases (gnomAD no frequency). This sequence change creates a premature translational stop signal (p.Arg35Glyfs*49) in the HACD1 gene. It is expected to result in an absent or disrupted protein product. Loss-of-function variants in HACD1 are known to be pathogenic (PMID: 23933735).

Literature cited by the submitters: PubMed 23933735.